The following is an entry in ClinVar:

NM_000535.7(PMS2):c.1897C>T (p.His633Tyr)

Gene: PMS2 (PMS1 homolog 2, mismatch repair system component; minus strand). Cytogenetic location: 7p22.1.
Variant type: single nucleotide variant.
Coding change: c.1897C>T on transcript NM_000535.7 (MANE Select); coding-DNA position 1897, C replaced by T.
Protein change: p.His633Tyr; replaces histidine 633 with tyrosine.
Molecular consequence: missense variant. On other transcripts: non-coding transcript variant (1).
Genome position (GRCh38, 1-based): chr7:5,986,868, G>A on the plus strand (C>T on the coding strand, the complement: PMS2 is on the minus strand). VCF-style: chr7-5986868-G-A. GRCh37 (hg19) VCF-style: chr7-6026499-G-A.
Other names: c.1492C>T, p.His498Tyr (NM_001322003.2, NM_001322004.2, NM_001322005.2 and 1 more transcripts); c.1741C>T, p.His581Tyr (NM_001322006.2); c.1579C>T, p.His527Tyr (NM_001322007.2, NM_001322008.2); c.1336C>T, p.His446Tyr (NM_001322010.2); c.964C>T, p.His322Tyr (NM_001322011.2, NM_001322012.2); c.1324C>T, p.His442Tyr (NM_001322013.2); c.1897C>T, p.His633Tyr (NM_001322014.2); c.1588C>T, p.His530Tyr (NM_001322015.2); short protein forms H442Y, H446Y, H527Y, H530Y, H633Y, H322Y, H581Y, H498Y.
Identifiers: ClinVar variation 641136 (VCV000641136.19), dbSNP rs1583314065, ClinGen allele CA366739368.

ClinVar aggregate classification (germline): Conflicting classifications of pathogenicity. Review status: criteria provided, conflicting classifications (1 of 4 stars). 4 submissions from 4 submitters: Uncertain significance (3); Likely benign (1). Last evaluated 2026-08-17.

Conditions:
Hereditary nonpolyposis colorectal neoplasms. Identifiers: MedGen C0009405, MeSH D003123.
Lynch syndrome 4 (LYNCH4). Also called: Colorectal cancer, hereditary nonpolyposis, type 4; Hereditary non-polyposis colorectal cancer, type 4. Identifiers: Orphanet 144, MedGen C1838333, MONDO:0013699, OMIM 614337. Disease mechanism: loss of function.
Hereditary cancer-predisposing syndrome. Also called: Neoplastic Syndromes, Hereditary; Hereditary Cancer Syndrome; Hereditary neoplastic syndrome; Tumor predisposition. Identifiers: Orphanet 140162, MedGen C0027672, MeSH D009386, MONDO:0015356.

Allele frequency attached by ClinVar (database versions not stated): gnomAD exomes below 0.00001.

Submissions (4):

Ambry Genetics
Classification: Likely benign for Hereditary cancer-predisposing syndrome. Last evaluated: 2026-08-17. Review status: criteria provided, single submitter. Criteria: Ambry Variant Classification Scheme 2023. Collection method: clinical testing. Allele origin: germline.

Labcorp Genetics (formerly Invitae), Labcorp
Classification: Uncertain significance for Hereditary nonpolyposis colorectal neoplasms. Last evaluated: 2025-04-29. Review status: criteria provided, single submitter. Criteria: Invitae Variant Classification Sherloc (09022015). Collection method: clinical testing. Allele origin: germline.
Comment: This sequence change replaces histidine, which is basic and polar, with tyrosine, which is neutral and polar, at codon 633 of the PMS2 protein (p.His633Tyr). This variant is not present in population databases (gnomAD no frequency). This variant has not been reported in the literature in individuals affected with PMS2-related conditions. ClinVar contains an entry for this variant (Variation ID: 641136). Invitae Evidence Modeling incorporating data from in vitro experimental studies (internal data) indicates that this missense variant is not expected to disrupt PMS2 function with a negative predictive value of 95%. In summary, the available evidence is currently insufficient to determine the role of this variant in disease. Therefore, it has been classified as a Variant of Uncertain Significance.

Color Diagnostics, LLC DBA Color Health
Classification: Uncertain significance for Hereditary cancer-predisposing syndrome. Last evaluated: 2023-12-05. Review status: criteria provided, single submitter. Criteria: ACMG Guidelines, 2015. Collection method: clinical testing. Allele origin: germline.
Comment: This missense variant replaces histidine with tyrosine at codon 633 of the PMS2 protein. Computational prediction suggests that this variant may not impact protein structure and function (internally defined REVEL score threshold <= 0.5, PMID: 27666373). To our knowledge, functional studies have not been reported for this variant. This variant has not been reported in individuals affected with PMS2-related disorders in the literature. This variant has not been identified in the general population by the Genome Aggregation Database (gnomAD). The available evidence is insufficient to determine the role of this variant in disease conclusively. Therefore, this variant is classified as a Variant of Uncertain Significance.

Department of Pathology and Laboratory Medicine, Sinai Health System
Classification: Uncertain significance for Lynch syndrome 4. Last evaluated: 2021-05-25. Review status: criteria provided, single submitter. Criteria: ACMG Guidelines, 2015. Collection method: clinical testing. Allele origin: germline. Affected: yes.